The following is an entry in ClinVar:

ClinVar aggregate classification (germline): Pathogenic. Review status: criteria provided, multiple submitters, no conflicts (2 of 4 stars). 2 submissions from 2 submitters: Pathogenic (2). Last evaluated 2026-06-11.

Conditions:
Colorectal cancer, hereditary nonpolyposis, type 7. Identifiers: Orphanet 144, MedGen C1858380, MONDO:0013725, OMIM 614385.

Submissions (2):

Myriad Genetics, Inc.
Classification: Pathogenic for Colorectal cancer, hereditary nonpolyposis, type 7. Last evaluated: 2026-06-11. Review status: criteria provided, single submitter. Criteria: Myriad Autosomal Dominant, Autosomal Recessive and X-Linked Classification Criteria (2023). Collection method: clinical testing. Allele origin: unknown.
Comment: This variant is considered pathogenic. This variant creates a frameshift predicted to result in premature protein truncation.

Ambry Genetics
Classification: Pathogenic. Last evaluated: 2026-06-01. Review status: criteria provided, single submitter. Criteria: Ambry Variant Classification Scheme 2023. Collection method: clinical testing. Allele origin: germline.
Comment: The c.3822_3823delCT pathogenic mutation, located in coding exon 7 of the MLH3 gene, results from a deletion of two nucleotides at nucleotide positions 3822 to 3823, causing a translational frameshift with a predicted alternate stop codon (p.L1275Mfs*13). This variant is considered to be rare based on population cohorts in the Genome Aggregation Database (gnomAD). This alteration is expected to result in loss of function by premature protein truncation or nonsense-mediated mRNA decay. As such, this alteration is interpreted as a disease-causing mutation.

NM_001040108.2(MLH3):c.3822_3823del (p.Leu1275fs)

Gene: MLH3 (mutL homolog 3; minus strand). Cytogenetic location: 14q24.3.
Variant type: Microsatellite.
Coding change: c.3822_3823del on transcript NM_001040108.2 (MANE Select); coding-DNA positions 3822 to 3823, 2 bases deleted (CT; older notation c.3822_3823delCT).
Protein change: p.Leu1275fs; shifts the reading frame from leucine 1275.
Molecular consequence: frameshift variant.
Genome position (GRCh38, 1-based): chr14:75,032,072-75,032,073, AG deleted on the plus strand (CT on the coding strand, the reverse complement: MLH3 is on the minus strand); deleting any 2 consecutive bases within chr14:75,032,072-75,032,075 gives the same sequence; the c. name uses the placement nearest the transcript's 3' end. VCF-style (leftmost placement, unchanged base first): chr14-75032071-AAG-A. GRCh37 (hg19) VCF-style: chr14-75498774-AAG-A.
Other names: c.3822_3823delCT (NM_001040108.1); c.3820_3821CT[1], p.Leu1275Metfs (NM_001040108.1); c.3750_3751del, p.Leu1251fs (NM_014381.3); short protein forms L1275fs, L1251fs.
Identifiers: ClinVar variation 3396650 (VCV003396650.3).
Genomic context (GRCh38, chr14:75,032,071, plus strand): 5'-ACAGAATTATTGTGAGAATTGATACCATCAACATCACATTCTCATGGTGGTACTGACCAT[AAG>A]AGTCTCCTTTGTTCCTCTGTCACTGTTATCTCTAGCGGAGGAATTAGAGTAGAAGACAGT-3'